The following is an entry in ClinVar:

NM_024598.4(USB1):c.49G>A (p.Glu17Lys)

Gene: USB1 (U6 snRNA biogenesis phosphodiesterase 1; plus strand). Cytogenetic location: 16q21.
Variant type: single nucleotide variant.
Coding change: c.49G>A on transcript NM_024598.4 (MANE Select); coding-DNA position 49, G replaced by A.
Protein change: p.Glu17Lys; replaces glutamic acid 17 with lysine.
Molecular consequence: missense variant. On other transcripts: intron variant (1).
Genome position (GRCh38, 1-based): chr16:58,001,532, G>A. VCF-style: chr16-58001532-G-A. GRCh37 (hg19) VCF-style: chr16-58035436-G-A.
Other names: c.49G>A, p.Glu17Lys (NM_001195302.2, NM_001204911.2, NM_001330569.2); c.-55-947G>A (NM_001330568.2); short protein forms E17K.
Identifiers: ClinVar variation 4866359 (VCV004866359.1).

ClinVar aggregate classification (germline): Uncertain significance (1 of 4 stars; one submission).

Conditions:
Inborn genetic diseases. Identifiers: MedGen C0950123, MeSH D030342.

Submission:

Ambry Genetics
Classification: Uncertain significance for Inborn genetic diseases. Last evaluated: 2026-05-01. Review status: criteria provided, single submitter. Criteria: Ambry Variant Classification Scheme 2023. Collection method: clinical testing. Allele origin: germline.
Comment: The p.E17K variant (also known as c.49G>A), located in coding exon 1 of the USB1 gene, results from a G to A substitution at nucleotide position 49. The glutamic acid at codon 17 is replaced by lysine, an amino acid with similar properties. This amino acid position is conserved. In addition, this alteration is predicted to be tolerated by in silico analysis. Based on the available evidence, the clinical significance of this variant remains unclear.